The following is an entry in ClinVar:

ClinVar aggregate classification (germline): Pathogenic. Review status: criteria provided, multiple submitters, no conflicts (2 of 4 stars). 2 submissions from 2 submitters: Pathogenic (2). Last evaluated 2024-04-25.

Conditions:
Hereditary cancer-predisposing syndrome. Also called: Hereditary Cancer Syndrome; Tumor predisposition; Neoplastic Syndromes, Hereditary; Hereditary neoplastic syndrome. Identifiers: Orphanet 140162, MedGen C0027672, MeSH D009386, MONDO:0015356.
Multiple endocrine neoplasia, type 1 (MEN1). Also called: WERMER SYNDROME; Endocrine adenomatosis multiple; MEN 1; MEN I; MEA I. Identifiers: Orphanet 652, MedGen C0025267, MeSH D018761, MONDO:0007540, OMIM 131100.

Submissions (2):

All of Us Research Program, National Institutes of Health
Classification: Pathogenic for Multiple endocrine neoplasia, type 1. Last evaluated: 2024-04-25. Review status: criteria provided, single submitter. Criteria: ACMG Guidelines, 2015. Collection method: clinical testing. Allele origin: germline. Inheritance: Autosomal dominant inheritance. Observed: 1 variant allele, 1 heterozygote.
Comment: This variant deletes 1 nucleotide in exon 4 of the MEN1 gene, creating a frameshift and premature translation stop signal. This variant is expected to result in an absent or non-functional protein product. To our knowledge, this variant has not been reported in individuals affected with MEN1-related disorders in the literature. This variant has not been identified in the general population by the Genome Aggregation Database (gnomAD). Loss of MEN1 function is a known mechanism of disease. Based on the available evidence, this variant is classified as Pathogenic.

This study involves interpretation of variants in research participants for the purpose of population health screening. Participant phenotype was not available at the time of variant classification. Additional details can be found in publication PMID: 35346344, PMCID: PMC8962531

Ambry Genetics
Classification: Pathogenic for Hereditary cancer-predisposing syndrome. Last evaluated: 2023-09-21. Review status: criteria provided, single submitter. Criteria: Ambry Variant Classification Scheme 2023. Collection method: clinical testing. Allele origin: germline.
Comment: The c.742delG pathogenic mutation, located in coding exon 3 of the MEN1 gene, results from a deletion of one nucleotide at nucleotide position 742, causing a translational frameshift with a predicted alternate stop codon (p.D248Tfs*33). This alteration has been observed in at least one individual with a personal and/or family history that is consistent with MEN1-related disease (Ambry internal data). This variant is considered to be rare based on population cohorts in the Genome Aggregation Database (gnomAD). This alteration is expected to result in loss of function by premature protein truncation or nonsense-mediated mRNA decay. As such, this alteration is interpreted as a disease-causing mutation.

NM_001370259.2(MEN1):c.742del (p.Asp248fs)

Gene: MEN1 (menin 1; minus strand). Cytogenetic location: 11q13.1.
Variant type: Deletion.
Coding change: c.742del on transcript NM_001370259.2 (MANE Select); coding-DNA position 742, one base deleted (G; older notation c.742delG).
Protein change: p.Asp248fs; shifts the reading frame from aspartic acid 248.
Molecular consequence: frameshift variant. On other transcripts: non-coding transcript variant (4).
Genome position (GRCh38, 1-based): chr11:64,807,593, C deleted on the plus strand (G on the coding strand, the reverse complement: MEN1 is on the minus strand). VCF-style (leftmost placement, unchanged base first): chr11-64807592-TC-T. GRCh37 (hg19) VCF-style: chr11-64575064-TC-T.
Other names: c.757del, p.Asp253fs (NM_000244.4, NM_001407145.1, NM_001407150.1 and 5 more transcripts); c.742del, p.Asp248fs (NM_001370251.2, NM_001370260.2, NM_001370261.2 and 7 more transcripts); c.637del, p.Asp213fs (NM_001370262.2, NM_001370263.2, NM_001407148.1 and 2 more transcripts); short protein forms D213fs, D248fs, D253fs.
Identifiers: ClinVar variation 3229108 (VCV003229108.2), dbSNP rs2497204544, ClinGen allele CA2825002034.